The following is an entry in ClinVar:

NM_002457.5(MUC2):c.12057G>C (p.Thr4019=)

Gene: MUC2 (mucin 2, oligomeric mucus/gel-forming; plus strand). Cytogenetic location: 11p15.5.
Variant type: single nucleotide variant.
Coding change: c.12057G>C on transcript NM_002457.5 (MANE Select); coding-DNA position 12057, G replaced by C.
Protein change: p.Thr4019=; no amino-acid change (threonine 4019 retained).
Molecular consequence: synonymous variant.
Genome position (GRCh38, 1-based): chr11:1,099,391, G>C. VCF-style: chr11-1099391-G-C. GRCh37 (hg19) VCF-style: chr11-1093299-G-C.
Identifiers: ClinVar variation 2641140 (VCV002641140.24), dbSNP rs113492997, ClinGen allele CA472381879.
Genomic context (GRCh38, chr11:1,099,391, plus strand): 5'-AACCCCAACACCCACCGGCACACAGACCCCAACATTGACGCCCATCACCACCACCACTAC[G>C]GTGACCCCAACCCCAACACCCACCGGCACACAGACCCCAACCCCGACACCCATCTCCACC-3'
Protein context (NP_002448.5, residues 4009-4029): PTSTPITTTT[Thr4019=]VTPTPTPTGT

ClinVar aggregate classification (germline): Likely benign (1 of 4 stars; one submission).

Submission:

CeGaT Center for Human Genetics Tuebingen
Classification: Likely benign. Last evaluated: 2024-11-01. Review status: criteria provided, single submitter. Criteria: CeGaT Center For Human Genetics Tuebingen Variant Classification Criteria Version 2. Collection method: clinical testing. Allele origin: germline. Affected: yes. Observed: 2 variant alleles.
Comment: MUC2: BP4, BP7